The following is an entry in ClinVar:

ClinVar aggregate classification (germline): Pathogenic (1 of 4 stars; one submission).

Conditions:
Intellectual developmental disorder, autosomal dominant 39. Also called: Intellectual disability, autosomal dominant 39; Mental retardation, autosomal dominant 39. Identifiers: MedGen C4225296, MONDO:0014678, OMIM 616521.

Submission:

Institute for Genomic Medicine (IGM) Clinical Laboratory, Nationwide Children's Hospital
Classification: Pathogenic for Intellectual developmental disorder, autosomal dominant 39. Last evaluated: 2018-03-13. Review status: criteria provided, single submitter. Criteria: ACMG Guidelines, 2015. Collection method: clinical testing. Allele origin: germline. Affected: yes.
Comment: [ACMG/AMP: PS2, PM1, PM2, PP3, PP2] This alteration is de novo in origin as it was not detected in the submitted parental specimens (identity confirmed) [PS2], is located in a mutational hotspot and/or critical and well-established functional domain [PM1], is absent from or rarely observed in large-scale population databases [PM2], is predicted to be damaging by multiple functional prediction tools [PP3], is a missense variant in a gene in which missense variants are a common mechanism of disease [PP2].

NM_001303052.2(MYT1L):c.1682T>A (p.Val561Asp)

Gene: MYT1L (myelin transcription factor 1 like; minus strand). Cytogenetic location: 2p25.3.
Variant type: single nucleotide variant.
Coding change: c.1682T>A on transcript NM_001303052.2 (MANE Select); coding-DNA position 1682, T replaced by A.
Protein change: p.Val561Asp; replaces valine 561 with aspartic acid.
Molecular consequence: missense variant.
Genome position (GRCh38, 1-based): chr2:1,912,047, A>T on the plus strand (T>A on the coding strand, the complement: MYT1L is on the minus strand). VCF-style: chr2-1912047-A-T. GRCh37 (hg19) VCF-style: chr2-1915819-A-T.
Other names: c.1682T>A, p.Val561Asp (NM_001329844.2, NM_001329845.1, NM_001329851.3); c.1676T>A, p.Val559Asp (NM_001329846.3, NM_001329847.2, NM_001329848.1 and 3 more transcripts); short protein forms V559D, V561D.
Identifiers: ClinVar variation 973241 (VCV000973241.5), dbSNP rs2052086981, ClinGen allele CA345701099.